The following is an entry in ClinVar:

NM_052845.4(MMAB):c.403G>A (p.Ala135Thr)

Gene: MMAB (metabolism of cobalamin associated B; minus strand). Cytogenetic location: 12q24.11.
Variant type: single nucleotide variant.
Coding change: c.403G>A on transcript NM_052845.4 (MANE Select); coding-DNA position 403, G replaced by A.
Protein change: p.Ala135Thr; replaces alanine 135 with threonine.
Molecular consequence: missense variant. On other transcripts: non-coding transcript variant (1).
Genome position (GRCh38, 1-based): chr12:109,561,798, C>T on the plus strand (G>A on the coding strand, the complement: MMAB is on the minus strand). VCF-style: chr12-109561798-C-T. GRCh37 (hg19) VCF-style: chr12-109999603-C-T.
Other names: short protein forms A135T.
Identifiers: ClinVar variation 219005 (VCV000219005.38), dbSNP rs35648932, ClinGen allele CA347906.

ClinVar aggregate classification (germline): Conflicting classifications of pathogenicity. Review status: criteria provided, conflicting classifications (1 of 4 stars). 7 submissions from 7 submitters: Uncertain significance (1); Benign (2); Likely benign (1). 3 of the submissions do not count toward it. Last evaluated 2026-01-28.

Conditions:
MMAB-related disorder. Also called: MMAB-related condition.
Methylmalonic aciduria, cblB type (MACB). Also called: Methylmalonic acidemia cblB type; METHYLMALONIC ACIDURIA, VITAMIN B12-RESPONSIVE, DUE TO DEFECT IN SYNTHESIS OF ADENOSYLCOBALAMIN, cblB TYPE; Vitamin B12-responsive methylmalonic acidemia type cblB. Identifiers: Orphanet 28, Orphanet 79311, MedGen C1855102, MONDO:0009614, OMIM 251110.

Allele frequency attached by ClinVar (database versions not stated): gnomAD 0.00251 and 0.00272; TOPMed 0.00308; gnomAD exomes 0.00069 and 0.00024; 1000 Genomes Project 30x 0.00281; 1000 Genomes Project 0.00300; ESP Exome Variant Server 0.00254; ExAC 0.00119.
gnomAD v4.1: 742 of 1,609,506 alleles (0.046%); highest among the groups gnomAD compares: African/African-American, 0.89%; 3 homozygotes.

Submissions (7):

Labcorp Genetics (formerly Invitae), Labcorp
Classification: Benign for Methylmalonic aciduria, cblB type. Last evaluated: 2026-01-28. Review status: criteria provided, single submitter. Criteria: Invitae Variant Classification Sherloc (09022015). Collection method: clinical testing. Allele origin: germline.

CeGaT Center for Human Genetics Tuebingen
Classification: Likely benign. Last evaluated: 2022-12-01. Review status: criteria provided, single submitter. Criteria: CeGaT Center For Human Genetics Tuebingen Variant Classification Criteria Version 2. Collection method: clinical testing. Allele origin: germline. Affected: yes. Observed: 1 variant allele.
Comment: MMAB: BS2

Women's Health and Genetics/Laboratory Corporation of America, LabCorp
Classification: Benign. Last evaluated: 2022-06-28. Review status: criteria provided, single submitter. Criteria: LabCorp Variant Classification Summary - May 2015. Collection method: clinical testing. Allele origin: germline.
Comment: Variant summary: MMAB c.403G>A (p.Ala135Thr) results in a non-conservative amino acid change located in the cobalamin adenosyltransferase-like domain (IPR016030) of the encoded protein sequence. Four of five in-silico tools predict a damaging effect of the variant on protein function. The variant allele was found at a frequency of 0.00069 in 241100 control chromosomes, predominantly at a frequency of 0.0096 within the African or African-American subpopulation in the gnomAD database, including 2 homozygotes. The observed variant frequency within African or African-American control individuals in the gnomAD database is approximately 6-fold of the estimated maximal expected allele frequency for a pathogenic variant in MMAB causing Methylmalonic Acidemia phenotype (0.0017), strongly suggesting that the variant is a benign polymorphism found primarily in populations of African or African-American origin. c.403G>A has been reported in the literature in at least two individuals affected with Methylmalonic Acidemia without strong evidence for causality (e.g. Dobson_2002, Lerner-Ellis_2006). These reports do not provide unequivocal conclusions about association of the variant with Methylmalonic Acidemia. To our knowledge, no experimental evidence demonstrating an impact on protein function has been reported. Four assessments for this variant have been submitted to ClinVar after 2014 with conflicting assessments (Benign n=2, VUS n=1, pathogenic n=1). Based on the evidence outlined above, the variant was classified as benign.

GeneDx
Classification: Uncertain significance. Last evaluated: 2018-08-01. Review status: criteria provided, single submitter. Criteria: GeneDx Variant Classification (06012015). Collection method: clinical testing. Allele origin: germline. Affected: yes.
Comment: The A135T variant in the MMAB gene has previously been reported in individuals with methylmalonic acidemia (MMA) cblB type who also harbored the R191W pathogenic variant and two of these patients were also reported to be heterozygous for a Y219C variant in MMAB; the phase of these variants was not determined (Dobson et al., 2002; Lerner-Ellis et al., 2006). The A135T variant is observed in 83/6162 (1.4%) alleles from individuals of African background, including 2 homozygous individuals in the ExAC dataset (Lek et al., 2016). The A135T variant is a non-conservative amino acid substitution, which is likely to impact secondary protein structure as these residues differ in polarity, charge, size and/or other properties. This substitution occurs at a position that is conserved across species. In silico analysis predicts this variant is probably damaging to the protein structure/function. In summary, based on the currently available information, it is unclear whether this variant is a pathogenic variant or a rare benign variant.

PreventionGenetics, part of Exact Sciences
Classification: Likely benign for MMAB-related condition. Last evaluated: 2023-10-12. Review status: no assertion criteria provided. Collection method: clinical testing. Allele origin: germline. Not counted in ClinVar's aggregate classification.
Comment: This variant is classified as likely benign based on ACMG/AMP sequence variant interpretation guidelines (Richards et al. 2015 PMID: 25741868, with internal and published modifications).

Natera, Inc.
Classification: Benign for Methylmalonic aciduria cblB type. Last evaluated: 2020-01-12. Review status: no assertion criteria provided. Collection method: clinical testing. Allele origin: germline. Not counted in ClinVar's aggregate classification.

GeneReviews
No classification provided. Condition: Methylmalonic aciduria, cblB type. Review status: no classification provided. Collection method: literature only. Allele origin: germline. Affected: yes. Not counted in ClinVar's aggregate classification.

Literature cited by the submitters: PubMed 12471062 (cited by Women's Health and Genetics/Laboratory Corporation of America, LabCorp); PubMed 16410054 (cited by Women's Health and Genetics/Laboratory Corporation of America, LabCorp); NCBI Bookshelf NBK1231 (cited by GeneReviews).